The following is an entry in ClinVar:

ClinVar aggregate classification (germline): Uncertain significance. Review status: criteria provided, multiple submitters, no conflicts (2 of 4 stars). 2 submissions from 2 submitters: Uncertain significance (2). Last evaluated 2023-02-01.

Conditions:
Progressive myoclonic epilepsy type 8. Identifiers: Orphanet 424027, MedGen C5190825, MONDO:0014545, OMIM 616230.

Allele frequency attached by ClinVar (database versions not stated): TOPMed 0.00005; ESP Exome Variant Server 0.00015.
gnomAD v4.1: 176 of 1,613,412 alleles (0.011%); highest among the groups gnomAD compares: Middle Eastern, 0.016%; no homozygotes.

Submissions (2):

Blueprint Genetics
Classification: Uncertain significance. Last evaluated: 2023-02-01. Review status: criteria provided, single submitter. Criteria: ACMG Guidelines, 2015. Collection method: clinical testing. Allele origin: germline.

Labcorp Genetics (formerly Invitae), Labcorp
Classification: Uncertain significance for Progressive myoclonic epilepsy type 8. Last evaluated: 2022-03-19. Review status: criteria provided, single submitter. Criteria: Invitae Variant Classification Sherloc (09022015). Collection method: clinical testing. Allele origin: germline.
Comment: This sequence change replaces valine, which is neutral and non-polar, with methionine, which is neutral and non-polar, at codon 184 of the CERS1 protein (p.Val184Met). This variant is present in population databases (rs374308521, gnomAD 0.01%). This variant has not been reported in the literature in individuals affected with CERS1-related conditions. ClinVar contains an entry for this variant (Variation ID: 1017659). Algorithms developed to predict the effect of missense changes on protein structure and function are either unavailable or do not agree on the potential impact of this missense change (SIFT: "Deleterious"; PolyPhen-2: "Possibly Damaging"; Align-GVGD: "Class C0"). In summary, the available evidence is currently insufficient to determine the role of this variant in disease. Therefore, it has been classified as a Variant of Uncertain Significance.

NM_021267.5(CERS1):c.550G>A (p.Val184Met)

Genes: CERS1 (ceramide synthase 1; minus strand), GDF1 (growth differentiation factor 1; minus strand). Cytogenetic location: 19p13.11.
Variant type: single nucleotide variant.
Coding change: c.550G>A on transcript NM_021267.5 (MANE Select); coding-DNA position 550, G replaced by A.
Protein change: p.Val184Met; replaces valine 184 with methionine.
Molecular consequence: missense variant. On other transcripts: 5 prime UTR variant (2).
Genome position (GRCh38, 1-based): chr19:18,884,127, C>T on the plus strand (G>A on the coding strand, the complement: CERS1 is on the minus strand). VCF-style: chr19-18884127-C-T. GRCh37 (hg19) VCF-style: chr19-18994936-C-T.
Other names: c.256G>A, p.Val86Met (NM_001290265.2, NM_001387442.1, NM_001387443.1 and 2 more transcripts); c.550G>A, p.Val184Met (NM_001387439.1, NM_001387440.1, NM_001387441.1 and 1 more transcripts); c.-353G>A (NM_001387438.1); c.-773G>A (NM_001492.6); short protein forms V184M, V86M.
Identifiers: ClinVar variation 1017659 (VCV001017659.7), dbSNP rs374308521, ClinGen allele CA9318232.